The following is an entry in ClinVar:

ClinVar aggregate classification (germline): Uncertain significance (1 of 4 stars; one submission).

Conditions:
Hypertrophic cardiomyopathy. Also called: HYPERTROPHIC MYOCARDIOPATHY. Identifiers: Orphanet 217569, MedGen C0007194, MeSH D002312, MONDO:0005045, HP:0001639.

gnomAD v4.1: 2 of 1,612,608 alleles (0.00012%); highest among the groups gnomAD compares: Non-Finnish European, 0.00017%; no homozygotes.

Submission:

Labcorp Genetics (formerly Invitae), Labcorp
Classification: Uncertain significance for Hypertrophic cardiomyopathy. Last evaluated: 2023-10-14. Review status: criteria provided, single submitter. Criteria: Invitae Variant Classification Sherloc (09022015). Collection method: clinical testing. Allele origin: germline.
Comment: This sequence change replaces alanine, which is neutral and non-polar, with serine, which is neutral and polar, at codon 229 of the MYOM1 protein (p.Ala229Ser). This variant is present in population databases (no rsID available, gnomAD 0.007%). This variant has not been reported in the literature in individuals affected with MYOM1-related conditions. Advanced modeling of protein sequence and biophysical properties (such as structural, functional, and spatial information, amino acid conservation, physicochemical variation, residue mobility, and thermodynamic stability) performed at Invitae indicates that this missense variant is not expected to disrupt MYOM1 protein function. In summary, the available evidence is currently insufficient to determine the role of this variant in disease. Therefore, it has been classified as a Variant of Uncertain Significance.

NM_003803.4(MYOM1):c.685G>T (p.Ala229Ser)

Gene: MYOM1 (myomesin 1; minus strand). Cytogenetic location: 18p11.31.
Variant type: single nucleotide variant.
Coding change: c.685G>T on transcript NM_003803.4 (MANE Select); coding-DNA position 685, G replaced by T.
Protein change: p.Ala229Ser; replaces alanine 229 with serine.
Molecular consequence: missense variant.
Genome position (GRCh38, 1-based): chr18:3,188,834, C>A on the plus strand (G>T on the coding strand, the complement: MYOM1 is on the minus strand). VCF-style: chr18-3188834-C-A. GRCh37 (hg19) VCF-style: chr18-3188832-C-A.
Other names: c.685G>T, p.Ala229Ser (NM_019856.2); short protein forms A229S.
Identifiers: ClinVar variation 2802934 (VCV002802934.3), dbSNP rs762212739, ClinGen allele CA401716586.
Genomic context (GRCh38, chr18:3,188,834, plus strand): 5'-CCTTTTCTCGAATCACAACTTTCCTTGACTTCTTTTCAGAAGTTTCTTCCTGTTGAAGAG[C>A]GGATGTGGCCTGTTTGGAAACCACAGACTGCCTGGATGCCGTGGACTGCCTGGATGCCGT-3'
Protein context (NP_003794.3, residues 219-239): QSVVSKQATS[Ala229Ser]LQQEETSEKK